The following is an entry in ClinVar:

ClinVar aggregate classification (germline): Uncertain significance (1 of 4 stars; one submission).

Allele frequency attached by ClinVar (database versions not stated): gnomAD exomes below 0.00001.

Submission:

Ambry Genetics
Classification: Uncertain significance. Last evaluated: 2024-02-10. Review status: criteria provided, single submitter. Criteria: Ambry Variant Classification Scheme 2023. Collection method: clinical testing. Allele origin: germline.
Comment: The p.D482N variant (also known as c.1444G>A), located in coding exon 3 of the ALPK2 gene, results from a G to A substitution at nucleotide position 1444. The aspartic acid at codon 482 is replaced by asparagine, an amino acid with highly similar properties. This amino acid position is conserved. In addition, this alteration is predicted to be tolerated by in silico analysis. Since supporting evidence is limited at this time, the clinical significance of this alteration remains unclear.

NM_052947.4(ALPK2):c.1444G>A (p.Asp482Asn)

Gene: ALPK2 (alpha kinase 2; minus strand). Cytogenetic location: 18q21.31.
Variant type: single nucleotide variant.
Coding change: c.1444G>A on transcript NM_052947.4 (MANE Select); coding-DNA position 1444, G replaced by A.
Protein change: p.Asp482Asn; replaces aspartic acid 482 with asparagine.
Molecular consequence: missense variant.
Genome position (GRCh38, 1-based): chr18:58,579,332, C>T on the plus strand (G>A on the coding strand, the complement: ALPK2 is on the minus strand). VCF-style: chr18-58579332-C-T. GRCh37 (hg19) VCF-style: chr18-56246564-C-T.
Other names: short protein forms D482N.
Identifiers: ClinVar variation 1772776 (VCV001772776.2), dbSNP rs2518898960, ClinGen allele CA402562976.